The following is an entry in ClinVar:

NM_002485.5(NBN):c.1711A>G (p.Lys571Glu)

Gene: NBN (nibrin; minus strand). Cytogenetic location: 8q21.3.
Variant type: single nucleotide variant.
Coding change: c.1711A>G on transcript NM_002485.5 (MANE Select); coding-DNA position 1711, A replaced by G.
Protein change: p.Lys571Glu; replaces lysine 571 with glutamic acid.
Molecular consequence: missense variant.
Genome position (GRCh38, 1-based): chr8:89,953,378, T>C on the plus strand (A>G on the coding strand, the complement: NBN is on the minus strand). VCF-style: chr8-89953378-T-C. GRCh37 (hg19) VCF-style: chr8-90965606-T-C.
Other names: p.K571E:AAA>GAA; c.1465A>G, p.Lys489Glu (NM_001024688.3); short protein forms K571E, K489E.
Identifiers: ClinVar variation 127860 (VCV000127860.21), dbSNP rs587780090, ClinGen allele CA287907.

ClinVar aggregate classification (germline): Conflicting classifications of pathogenicity. Review status: criteria provided, conflicting classifications (1 of 4 stars). 6 submissions from 6 submitters: Uncertain significance (4); Likely benign (1). 1 of the submissions does not count toward it. Last evaluated 2024-08-14.

Conditions:
Microcephaly, normal intelligence and immunodeficiency (NBS). Also called: IMMUNODEFICIENCY, MICROCEPHALY, AND CHROMOSOMAL INSTABILITY; SEEMANOVA SYNDROME II; Nijmegen breakage syndrome; Microcephaly with normal intelligence immunodeficiency and lymphoreticular malignancies; Nonsyndromal microcephaly autosomal recessive with normal intelligence; Seemanova syndrome 2. Identifiers: Orphanet 647, MedGen C0398791, MONDO:0009623, OMIM 251260.
Acute lymphoid leukemia (ALL). Also called: Acute lymphoblastic leukemia; Acute lymphocytic leukemia; Lymphoblastic leukemia; Leukemia, acute lymphoblastic, somatic. Identifiers: Orphanet 513, MedGen C0023449, MONDO:0004967, OMIM 613065, HP:0006721.
Aplastic anemia. Identifiers: Orphanet 182040, Orphanet 88, MedGen C0002874, MONDO:0015909, OMIM 609135, HP:0001915.
Hereditary cancer-predisposing syndrome. Also called: Tumor predisposition; Hereditary Cancer Syndrome; Neoplastic Syndromes, Hereditary; Hereditary neoplastic syndrome. Identifiers: Orphanet 140162, MedGen C0027672, MeSH D009386, MONDO:0015356.

Allele frequency attached by ClinVar (database versions not stated): gnomAD exomes 0.00001 and 0.00002; ExAC 0.00003.
gnomAD v4.1: 17 of 1,613,796 alleles (0.0011%); highest among the groups gnomAD compares: African/African-American, 0.0027%; no homozygotes.

Submissions (6):

Labcorp Genetics (formerly Invitae), Labcorp
Classification: Uncertain significance for Microcephaly, normal intelligence and immunodeficiency. Last evaluated: 2024-08-14. Review status: criteria provided, single submitter. Criteria: Invitae Variant Classification Sherloc (09022015). Collection method: clinical testing. Allele origin: germline.
Comment: This sequence change replaces lysine, which is basic and polar, with glutamic acid, which is acidic and polar, at codon 571 of the NBN protein (p.Lys571Glu). This variant is present in population databases (rs587780090, gnomAD 0.003%). This missense change has been observed in individual(s) with breast cancer (PMID: 32959997). ClinVar contains an entry for this variant (Variation ID: 127860). An algorithm developed to predict the effect of missense changes on protein structure and function outputs the following: PolyPhen-2: "Benign". The glutamic acid amino acid residue is found in multiple mammalian species, which suggests that this missense change does not adversely affect protein function. In summary, the available evidence is currently insufficient to determine the role of this variant in disease. Therefore, it has been classified as a Variant of Uncertain Significance.

Ambry Genetics
Classification: Likely benign for Hereditary cancer-predisposing syndrome. Last evaluated: 2024-02-28. Review status: criteria provided, single submitter. Criteria: Ambry Variant Classification Scheme 2023. Collection method: clinical testing. Allele origin: germline.

Fulgent Genetics
Classification: Uncertain significance for Microcephaly, normal intelligence and immunodeficiency; Aplastic anemia; Acute lymphoid leukemia. Last evaluated: 2024-02-28. Review status: criteria provided, single submitter. Criteria: ACMG Guidelines, 2015. Collection method: clinical testing. Allele origin: germline.

Genome-Nilou Lab
Classification: Uncertain significance for Microcephaly, normal intelligence and immunodeficiency. Last evaluated: 2021-11-07. Review status: criteria provided, single submitter. Criteria: ACMG Guidelines, 2015. Collection method: clinical testing. Allele origin: germline. Affected: no.

GeneDx
Classification: Uncertain significance. Last evaluated: 2016-01-04. Review status: criteria provided, single submitter. Criteria: GeneDx Variant Classification (06012015). Collection method: clinical testing. Allele origin: germline. Affected: yes.
Comment: This variant is denoted NBN c.1711A>G at the cDNA level, p.Lys571Glu (K571E) at the protein level, and results in the change of a Lysine to a Glutamic Acid (AAA>GAA). This variant has not, to our knowledge, been published in the literature as pathogenic or benign. NBN Lys571Glu was not observed in approximately 6,500 individuals of European and African American ancestry in the NHLBI Exome Sequencing Project, suggesting it is not a common benign variant in these populations. Since Lysine and Glutamic Acid differ in polarity, charge, size or other properties, this is considered a non-conservative amino acid substitution. NBN Lys571Glu occurs at a position that is not conserved and is not located in a known functional domain. In silico analyses predict that this variant is unlikely to alter protein structure or function. Based on currently available evidence, it is unclear whether NBN Lys571Glu is a pathogenic or benign variant. We consider it to be a variant of uncertain significance.

Natera, Inc.
Classification: Uncertain significance for Nijmegen breakage syndrome. Last evaluated: 2020-09-16. Review status: no assertion criteria provided. Collection method: clinical testing. Allele origin: germline. Not counted in ClinVar's aggregate classification.

Literature cited by the submitters: PubMed 32959997 (cited by Labcorp Genetics (formerly Invitae), Labcorp and Ambry Genetics); PubMed 31871109 (cited by Ambry Genetics).